The following is an entry in ClinVar:

NM_020207.7(ERCC6L2):c.1661T>C (p.Leu554Pro)

Gene: ERCC6L2 (ERCC excision repair 6 like 2; plus strand). Cytogenetic location: 9q22.32.
Variant type: single nucleotide variant.
Coding change: c.1661T>C on transcript NM_020207.7 (MANE Select); coding-DNA position 1661, T replaced by C.
Protein change: p.Leu554Pro; replaces leucine 554 with proline.
Molecular consequence: missense variant. On other transcripts: non-coding transcript variant (1).
Genome position (GRCh38, 1-based): chr9:95,928,774, T>C. VCF-style: chr9-95928774-T-C. GRCh37 (hg19) VCF-style: chr9-98691056-T-C.
Other names: c.1661T>C, p.Leu554Pro (NM_001010895.4, NM_001375291.1, NM_001375292.1 and 2 more transcripts); short protein forms L554P.
Identifiers: ClinVar variation 2958604 (VCV002958604.4), dbSNP rs759074169, ClinGen allele CA5139649.

ClinVar aggregate classification (germline): Uncertain significance. Review status: criteria provided, multiple submitters, no conflicts (2 of 4 stars). 2 submissions from 2 submitters: Uncertain significance (2). Last evaluated 2025-03-10.

Conditions:
Inborn genetic diseases. Identifiers: MedGen C0950123, MeSH D030342.

Allele frequency attached by ClinVar (database versions not stated): gnomAD exomes 0.00001; TOPMed 0.00001; ExAC 0.00002.
gnomAD v4.1: 4 of 1,613,478 alleles (0.00025%); highest among the groups gnomAD compares: Admixed American, 0.0067%; no homozygotes.

Submissions (2):

Ambry Genetics
Classification: Uncertain significance for Inborn genetic diseases. Last evaluated: 2025-03-10. Review status: criteria provided, single submitter. Criteria: Ambry Variant Classification Scheme 2023. Collection method: clinical testing. Allele origin: germline.
Comment: The p.L554P variant (also known as c.1661T>C), located in coding exon 11 of the ERCC6L2 gene, results from a T to C substitution at nucleotide position 1661. The leucine at codon 554 is replaced by proline, an amino acid with similar properties. This amino acid position is conserved. In addition, this alteration is predicted to be deleterious by in silico analysis. Based on the available evidence, the clinical significance of this variant remains unclear.

Labcorp Genetics (formerly Invitae), Labcorp
Classification: Uncertain significance. Last evaluated: 2024-03-04. Review status: criteria provided, single submitter. Criteria: Invitae Variant Classification Sherloc (09022015). Collection method: clinical testing. Allele origin: germline.
Comment: This sequence change replaces leucine, which is neutral and non-polar, with proline, which is neutral and non-polar, at codon 565 of the ERCC6L2 protein (p.Leu565Pro). This variant is present in population databases (rs759074169, gnomAD 0.009%). This variant has not been reported in the literature in individuals affected with ERCC6L2-related conditions. Experimental studies and prediction algorithms are not available or were not evaluated, and the functional significance of this variant is currently unknown. In summary, the available evidence is currently insufficient to determine the role of this variant in disease. Therefore, it has been classified as a Variant of Uncertain Significance.